The following is an entry in ClinVar:

NM_198576.4(AGRN):c.5186T>C (p.Leu1729Pro)

Genes: AGRN (agrin; plus strand), LOC129929078 (ATAC-STARR-seq lymphoblastoid silent region 24; plus strand). Cytogenetic location: 1p36.33.
Variant type: single nucleotide variant.
Coding change: c.5186T>C on transcript NM_198576.4 (MANE Select); coding-DNA position 5186, T replaced by C.
Protein change: p.Leu1729Pro; replaces leucine 1729 with proline.
Molecular consequence: missense variant.
Genome position (GRCh38, 1-based): chr1:1,050,770, T>C. VCF-style: chr1-1050770-T-C. GRCh37 (hg19) VCF-style: chr1-986150-T-C.
Other names: c.5186T>C, p.Leu1729Pro (NM_001305275.2); c.4871T>C, p.Leu1624Pro (NM_001364727.2); short protein forms L1729P, L1624P.
Identifiers: ClinVar variation 1472632 (VCV001472632.8), dbSNP rs2100684858, ClinGen allele CA337780993.

ClinVar aggregate classification (germline): Uncertain significance (1 of 4 stars; one submission).

Conditions:
Congenital myasthenic syndrome 8. Also called: Myasthenic syndrome, congenital, 8, with pre- and postsynaptic defects; MYASTHENIC SYNDROME, CONGENITAL, DUE TO AGRIN DEFICIENCY. Identifiers: Orphanet 590, MedGen C3808739, MONDO:0014052, OMIM 615120.

Submission:

Labcorp Genetics (formerly Invitae), Labcorp
Classification: Uncertain significance for Congenital myasthenic syndrome 8. Last evaluated: 2023-11-27. Review status: criteria provided, single submitter. Criteria: Invitae Variant Classification Sherloc (09022015). Collection method: clinical testing. Allele origin: germline.
Comment: This sequence change replaces leucine, which is neutral and non-polar, with proline, which is neutral and non-polar, at codon 1729 of the AGRN protein (p.Leu1729Pro). This variant is not present in population databases (gnomAD no frequency). This variant has not been reported in the literature in individuals affected with AGRN-related conditions. ClinVar contains an entry for this variant (Variation ID: 1472632). An algorithm developed to predict the effect of missense changes on protein structure and function (PolyPhen-2) suggests that this variant is likely to be disruptive. In summary, the available evidence is currently insufficient to determine the role of this variant in disease. Therefore, it has been classified as a Variant of Uncertain Significance.